The following is an entry in ClinVar:

NM_000836.4(GRIN2D):c.3698_3721del (p.Pro1233_His1240del)

Gene: GRIN2D (glutamate ionotropic receptor NMDA type subunit 2D; plus strand). Cytogenetic location: 19q13.33.
Variant type: Deletion.
Coding change: c.3698_3721del on transcript NM_000836.4 (MANE Select); coding-DNA positions 3698 to 3721, 24 bases deleted (CGCACCGCCCGCGGGCCTCGCACC).
Protein change: p.Pro1233_His1240del.
Molecular consequence: inframe deletion.
Genome position (GRCh38, 1-based): chr19:48,443,624-48,443,647, CGCACCGCCCGCGGGCCTCGCACC deleted; deleting any 24 consecutive bases within chr19:48,443,617-48,443,647 gives the same sequence; the c. name uses the placement nearest the transcript's 3' end. VCF-style (leftmost placement, unchanged base first): chr19-48443616-GTCGCACCCGCACCGCCCGCGGGCC-G. GRCh37 (hg19) VCF-style: chr19-48946873-GTCGCACCCGCACCGCCCGCGGGCC-G.
Identifiers: ClinVar variation 2018730 (VCV002018730.4), dbSNP rs2513693875, ClinGen allele CA2580097517.

ClinVar aggregate classification (germline): Uncertain significance (1 of 4 stars; one submission).

Submission:

Labcorp Genetics (formerly Invitae), Labcorp
Classification: Uncertain significance. Last evaluated: 2022-07-21. Review status: criteria provided, single submitter. Criteria: Invitae Variant Classification Sherloc (09022015). Collection method: clinical testing. Allele origin: germline.
Comment: In summary, the available evidence is currently insufficient to determine the role of this variant in disease. Therefore, it has been classified as a Variant of Uncertain Significance. Experimental studies and prediction algorithms are not available or were not evaluated, and the functional significance of this variant is currently unknown. This variant has not been reported in the literature in individuals affected with GRIN2D-related conditions. The frequency data for this variant in the population databases is considered unreliable, as metrics indicate insufficient coverage at this position in the gnomAD database. This variant, c.3698_3721del, results in the deletion of 8 amino acid(s) of the GRIN2D protein (p.Pro1233_His1240del), but otherwise preserves the integrity of the reading frame.